The following is an entry in ClinVar:

NM_001698.3(AUH):c.722G>A (p.Arg241Gln)

Gene: AUH (AU RNA binding methylglutaconyl-CoA hydratase; minus strand). Cytogenetic location: 9q22.31.
Variant type: single nucleotide variant.
Coding change: c.722G>A on transcript NM_001698.3 (MANE Select); coding-DNA position 722, G replaced by A.
Protein change: p.Arg241Gln; replaces arginine 241 with glutamine.
Molecular consequence: missense variant.
Genome position (GRCh38, 1-based): chr9:91,220,926, C>T on the plus strand (G>A on the coding strand, the complement: AUH is on the minus strand). VCF-style: chr9-91220926-C-T. GRCh37 (hg19) VCF-style: chr9-93983208-C-T.
Other names: c.635G>A, p.Arg212Gln (NM_001306190.2); c.395G>A, p.Arg132Gln (NM_001351431.2, NM_001351432.2, NM_001351433.2); short protein forms R212Q, R132Q, R241Q.
Identifiers: ClinVar variation 835499 (VCV000835499.12), dbSNP rs1269002301, ClinGen allele CA373835249.

ClinVar aggregate classification (germline): Uncertain significance. Review status: criteria provided, multiple submitters, no conflicts (2 of 4 stars). 2 submissions from 2 submitters: Uncertain significance (2). Last evaluated 2023-04-05.

Conditions:
Inborn genetic diseases. Identifiers: MedGen C0950123, MeSH D030342.
3-methylglutaconic aciduria type 1 (MGCA1). Identifiers: Orphanet 67046, MedGen C0342727, MONDO:0009610, OMIM 250950.

Allele frequency attached by ClinVar (database versions not stated): TOPMed below 0.00001; gnomAD exomes 0.00002.

Submissions (2):

Ambry Genetics
Classification: Uncertain significance for Inborn genetic diseases. Last evaluated: 2023-04-05. Review status: criteria provided, single submitter. Criteria: Ambry Variant Classification Scheme 2023. Collection method: clinical testing. Allele origin: germline.

Labcorp Genetics (formerly Invitae), Labcorp
Classification: Uncertain significance for 3-methylglutaconic aciduria type 1. Last evaluated: 2019-11-26. Review status: criteria provided, single submitter. Criteria: Invitae Variant Classification Sherloc (09022015). Collection method: clinical testing. Allele origin: germline.
Comment: In summary, the available evidence is currently insufficient to determine the role of this variant in disease. Therefore, it has been classified as a Variant of Uncertain Significance. Algorithms developed to predict the effect of missense changes on protein structure and function are either unavailable or do not agree on the potential impact of this missense change (SIFT: "Tolerated"; PolyPhen-2: "Probably Damaging"; Align-GVGD: "Class C0"). This variant has not been reported in the literature in individuals with AUH-related conditions. This variant is not present in population databases (ExAC no frequency). This sequence change replaces arginine with glutamine at codon 241 of the AUH protein (p.Arg241Gln). The arginine residue is highly conserved and there is a small physicochemical difference between arginine and glutamine.